The following is an entry in ClinVar:

NM_000059.4(BRCA2):c.8606T>A (p.Ile2869Asn)

Gene: BRCA2 (BRCA2 DNA repair associated; plus strand). Cytogenetic location: 13q13.1.
Variant type: single nucleotide variant.
Coding change: c.8606T>A on transcript NM_000059.4 (MANE Select); coding-DNA position 8606, T replaced by A.
Protein change: p.Ile2869Asn; replaces isoleucine 2869 with asparagine.
Molecular consequence: missense variant.
Genome position (GRCh38, 1-based): chr13:32,371,074, T>A. VCF-style: chr13-32371074-T-A. GRCh37 (hg19) VCF-style: chr13-32945211-T-A.
Other names: short protein forms I2869N.
Identifiers: ClinVar variation 570597 (VCV000570597.14), dbSNP rs1566249383, ClinGen allele CA387752907.

ClinVar aggregate classification (germline): Conflicting classifications of pathogenicity. Review status: criteria provided, conflicting classifications (1 of 4 stars). 2 submissions from 2 submitters: Uncertain significance (1); Likely benign (1). Last evaluated 2025-05-15.

Conditions:
Hereditary cancer-predisposing syndrome. Also called: Hereditary neoplastic syndrome; Tumor predisposition; Neoplastic Syndromes, Hereditary; Hereditary Cancer Syndrome. Identifiers: Orphanet 140162, MedGen C0027672, MeSH D009386, MONDO:0015356.
Hereditary breast ovarian cancer syndrome. Also called: Hereditary breast and ovarian cancer syndrome; Breast and ovarian cancer; Hereditary breast and ovarian cancer; Hereditary breast and/or ovarian cancer syndrome; Hereditary breast and ovarian cancer syndrome (HBOC); BRCA1- and BRCA2-Associated Hereditary Breast and Ovarian Cancer. Identifiers: Orphanet 145, MedGen C0677776, MeSH D061325, MONDO:0003582. Disease mechanism: loss of function.

Submissions (2):

Ambry Genetics
Classification: Likely benign for Hereditary cancer-predisposing syndrome. Last evaluated: 2025-05-15. Review status: criteria provided, single submitter. Criteria: Ambry Variant Classification Scheme 2023. Collection method: clinical testing. Allele origin: germline.

Labcorp Genetics (formerly Invitae), Labcorp
Classification: Uncertain significance for Hereditary breast ovarian cancer syndrome. Last evaluated: 2021-03-25. Review status: criteria provided, single submitter. Criteria: Invitae Variant Classification Sherloc (09022015). Collection method: clinical testing. Allele origin: germline.
Comment: This variant has not been reported in the literature in individuals with BRCA2-related disease. In summary, the available evidence is currently insufficient to determine the role of this variant in disease. Therefore, it has been classified as a Variant of Uncertain Significance. Algorithms developed to predict the effect of missense changes on protein structure and function (SIFT, PolyPhen-2, Align-GVGD) all suggest that this variant is likely to be disruptive, but these predictions have not been confirmed by published functional studies and their clinical significance is uncertain. This variant is not present in population databases (ExAC no frequency). This sequence change replaces isoleucine with asparagine at codon 2869 of the BRCA2 protein (p.Ile2869Asn). The isoleucine residue is highly conserved and there is a large physicochemical difference between isoleucine and asparagine.